The following is an entry in ClinVar:

NM_004336.5(BUB1):c.1289A>G (p.His430Arg)

Gene: BUB1 (BUB1 mitotic checkpoint serine/threonine kinase; minus strand). Cytogenetic location: 2q13.
Variant type: single nucleotide variant.
Coding change: c.1289A>G on transcript NM_004336.5 (MANE Select); coding-DNA position 1289, A replaced by G.
Protein change: p.His430Arg; replaces histidine 430 with arginine.
Molecular consequence: missense variant.
Genome position (GRCh38, 1-based): chr2:110,658,730, T>C on the plus strand (A>G on the coding strand, the complement: BUB1 is on the minus strand). VCF-style: chr2-110658730-T-C. GRCh37 (hg19) VCF-style: chr2-111416307-T-C.
Other names: c.1229A>G, p.His410Arg (NM_001278616.2); c.1289A>G, p.His430Arg (NM_001278617.2); short protein forms H430R, H410R.
Identifiers: ClinVar variation 3483065 (VCV003483065.1).

ClinVar aggregate classification (germline): Uncertain significance (1 of 4 stars; one submission).

gnomAD v4.1: 2 of 1,614,098 alleles (0.00012%); highest among the groups gnomAD compares: Non-Finnish European, 0.00017%; no homozygotes.

Submission:

Ambry Genetics
Classification: Uncertain significance. Last evaluated: 2024-09-30. Review status: criteria provided, single submitter. Criteria: Ambry Variant Classification Scheme 2023. Collection method: clinical testing. Allele origin: germline.
Comment: The p.H430R variant (also known as c.1289A>G), located in coding exon 12 of the BUB1 gene, results from an A to G substitution at nucleotide position 1289. The histidine at codon 430 is replaced by arginine, an amino acid with highly similar properties. This amino acid position is conserved. In addition, this alteration is predicted to be tolerated by in silico analysis. Based on the available evidence, the clinical significance of this variant remains unclear.